The following is an entry in ClinVar:

ClinVar aggregate classification (germline): Uncertain significance (1 of 4 stars; one submission).

Conditions:
Atrioventricular septal defect 4 (AVSD4). Identifiers: MedGen C3280781, MONDO:0013747, OMIM 614430.

Submission:

Labcorp Genetics (formerly Invitae), Labcorp
Classification: Uncertain significance for Atrioventricular septal defect 4. Last evaluated: 2020-02-10. Review status: criteria provided, single submitter. Criteria: Invitae Variant Classification Sherloc (09022015). Collection method: clinical testing. Allele origin: germline.
Comment: In summary, the available evidence is currently insufficient to determine the role of this variant in disease. Therefore, it has been classified as a Variant of Uncertain Significance. Algorithms developed to predict the effect of missense changes on protein structure and function do not agree on the potential impact of this missense change (SIFT: "Deleterious"; PolyPhen-2: "Benign"; Align-GVGD: "Class C0"). This variant has not been reported in the literature in individuals with GATA4-related disease. This variant is not present in population databases (ExAC no frequency). This sequence change replaces asparagine with serine at codon 428 of the GATA4 protein (p.Asn428Ser). The asparagine residue is highly conserved and there is a small physicochemical difference between asparagine and serine.

NM_001308093.3(GATA4):c.1286A>G (p.Asn429Ser)

Gene: GATA4 (GATA binding protein 4). Cytogenetic location: 8p23.1.
Variant type: single nucleotide variant.
Coding change: c.1286A>G on transcript NM_001308093.3 (MANE Select); coding-DNA position 1286, A replaced by G.
Protein change: p.Asn429Ser; replaces asparagine 429 with serine.
Molecular consequence: missense variant.
Genome position (GRCh38, 1-based): chr8:11,758,429, A>G. VCF-style: chr8-11758429-A-G. GRCh37 (hg19) VCF-style: chr8-11615938-A-G.
Other names: c.665A>G, p.Asn222Ser (NM_001308094.2, NM_001374273.1); c.539A>G, p.Asn180Ser (NM_001374274.1); c.1283A>G, p.Asn428Ser (NM_002052.5); short protein forms N428S, N429S, N222S, N180S.
Identifiers: ClinVar variation 539984 (VCV000539984.8), dbSNP rs76332456, ClinGen allele CA370315806.